The following is an entry in ClinVar:

NM_000074.3(CD40LG):c.674T>C (p.Leu225Ser)

Gene: CD40LG (CD40 ligand; plus strand). Cytogenetic location: Xq26.3.
Variant type: single nucleotide variant.
Coding change: c.674T>C on transcript NM_000074.3 (MANE Select); coding-DNA position 674, T replaced by C.
Protein change: p.Leu225Ser; replaces leucine 225 with serine.
Molecular consequence: missense variant.
Genome position (GRCh38, 1-based): chrX:136,659,303, T>C. VCF-style: chrX-136659303-T-C. GRCh37 (hg19) VCF-style: chrX-135741462-T-C.
Other names: short protein forms L225S.
Identifiers: ClinVar variation 1215301 (VCV001215301.4), dbSNP rs2148553773, ClinGen allele CA414756437.
Genomic context (GRCh38, chrX:136,659,303, plus strand): 5'-TACTCAGAGCTGCAAATACCCACAGTTCCGCCAAACCTTGCGGGCAACAATCCATTCACT[T>C]GGGAGGAGTATTTGAATTGCAACCAGGTGCTTCGGTGTTTGTCAATGTGACTGATCCAAG-3'
Protein context (NP_000065.1, residues 215-235): AKPCGQQSIH[Leu225Ser]GGVFELQPGA

ClinVar aggregate classification (germline): Likely pathogenic (1 of 4 stars; one submission).

Submission:

GeneDx
Classification: Likely pathogenic. Last evaluated: 2026-09-18. Review status: criteria provided, single submitter. Criteria: GeneDx Variant Classification Process June 2021. Collection method: clinical testing. Allele origin: germline.
Comment: Not observed at significant frequency in large population cohorts (gnomAD); In silico analysis supports that this missense variant has a deleterious effect on protein structure/function; This variant is associated with the following publications: (PMID: 37433422, 42412349)